The following is an entry in ClinVar:

NM_002180.3(IGHMBP2):c.1582G>A (p.Ala528Thr)

Genes: IGHMBP2 (immunoglobulin mu DNA binding protein 2; plus strand), LOC126861245 (CDK7 strongly-dependent group 2 enhancer GRCh37_chr11:68701479-68702678; plus strand). Cytogenetic location: 11q13.3.
Variant type: single nucleotide variant.
Coding change: c.1582G>A on transcript NM_002180.3 (MANE Select); coding-DNA position 1582, G replaced by A.
Protein change: p.Ala528Thr; replaces alanine 528 with threonine.
Molecular consequence: missense variant.
Genome position (GRCh38, 1-based): chr11:68,934,508, G>A. VCF-style: chr11-68934508-G-A. GRCh37 (hg19) VCF-style: chr11-68701976-G-A.
Other names: short protein forms A528T.
Identifiers: ClinVar variation 162198 (VCV000162198.35), dbSNP rs724159960, ClinGen allele CA211922.

ClinVar aggregate classification (germline): Conflicting classifications of pathogenicity. Review status: criteria provided, conflicting classifications (1 of 4 stars). 5 submissions from 5 submitters: Likely pathogenic (2); Uncertain significance (2). 1 of the submissions does not count toward it. Last evaluated 2025-07-14.

Conditions:
IGHMBP2-related disorder. Also called: IGHMBP2-related condition; IGHMBP2-related disorders.
Inborn genetic diseases. Identifiers: MedGen C0950123, MeSH D030342.
Charcot-Marie-Tooth disease axonal type 2S. Also called: CHARCOT-MARIE-TOOTH DISEASE, AXONAL, AUTOSOMAL RECESSIVE, TYPE 2S; CHARCOT-MARIE-TOOTH NEUROPATHY, TYPE 2S. Identifiers: Orphanet 443073, MedGen C4015349, MONDO:0014511, OMIM 616155.

Allele frequency attached by ClinVar (database versions not stated): ExAC 0.00001; gnomAD 0.00001; gnomAD exomes 0.00001.
gnomAD v4.1: 11 of 1,612,866 alleles (0.00068%); highest among the groups gnomAD compares: South Asian, 0.0022%; no homozygotes.

Submissions (5):

Ambry Genetics
Classification: Uncertain significance for Inborn genetic diseases. Last evaluated: 2025-07-14. Review status: criteria provided, single submitter. Criteria: Ambry Variant Classification Scheme 2023. Collection method: clinical testing. Allele origin: germline.

CeGaT Center for Human Genetics Tuebingen
Classification: Likely pathogenic. Last evaluated: 2023-05-01. Review status: criteria provided, single submitter. Criteria: CeGaT Center For Human Genetics Tuebingen Variant Classification Criteria Version 2. Collection method: clinical testing. Allele origin: germline. Affected: yes. Observed: 1 variant allele.
Comment: IGHMBP2: PM3:Strong, PM2

Blueprint Genetics
Classification: Likely pathogenic for IGHMBP2-related disorders. Last evaluated: 2020-05-22. Review status: criteria provided, single submitter. Criteria: ACMG Guidelines, 2015. Collection method: clinical testing. Allele origin: germline. Affected: yes. Observed: 1 variant allele.

GeneDx
Classification: Uncertain significance. Last evaluated: 2019-10-21. Review status: criteria provided, single submitter. Criteria: GeneDx Variant Classification Process June 2021. Collection method: clinical testing. Allele origin: germline. Affected: yes.
Comment: Not observed at a significant frequency in large population cohorts (Lek et al., 2016); In silico analysis, which includes protein predictors and evolutionary conservation, supports a deleterious effect; This variant is associated with the following publications: (PMID: 25439726, 26752306, 26922252)

OMIM
Classification: Pathogenic for CHARCOT-MARIE-TOOTH DISEASE, AXONAL, TYPE 2S. Last evaluated: 2014-11-06. Review status: no assertion criteria provided. Collection method: literature only. Allele origin: germline. Not counted in ClinVar's aggregate classification.

Literature cited by the submitters: PubMed 25439726 (cited by OMIM).